The following is an entry in ClinVar:

ClinVar aggregate classification (germline): Pathogenic (1 of 4 stars; one submission).

Conditions:
Salla disease (SD). Also called: Less Severe FSASD (Salla Disease); Sialuria, Finnish type; N-acetylneuraminic acid (NANA) storage disease (NSD); Infantile sialic acid storage disorder (ISSD). Identifiers: Orphanet 309334, Orphanet 834, MedGen C1096903, MONDO:0011449, OMIM 604369.

Submission:

Labcorp Genetics (formerly Invitae), Labcorp
Classification: Pathogenic for Salla disease. Last evaluated: 2022-08-19. Review status: criteria provided, single submitter. Criteria: Invitae Variant Classification Sherloc (09022015). Collection method: clinical testing. Allele origin: germline.
Comment: This variant has not been reported in the literature in individuals affected with SLC17A5-related conditions. For these reasons, this variant has been classified as Pathogenic. This variant is not present in population databases (gnomAD no frequency). This sequence change creates a premature translational stop signal (p.Pro192Leufs*20) in the SLC17A5 gene. It is expected to result in an absent or disrupted protein product. Loss-of-function variants in SLC17A5 are known to be pathogenic (PMID: 10581036, 10947946, 15172001).

Literature cited by the submitters: PubMed 10581036; PubMed 10947946; PubMed 15172001.

NM_012434.5(SLC17A5):c.575del (p.Pro192fs)

Gene: SLC17A5 (solute carrier family 17 member 5; minus strand). Cytogenetic location: 6q13.
Variant type: Deletion.
Coding change: c.575del on transcript NM_012434.5 (MANE Select); coding-DNA position 575, one base deleted (C; older notation c.575delC).
Protein change: p.Pro192fs; shifts the reading frame from proline 192.
Molecular consequence: frameshift variant.
Genome position (GRCh38, 1-based): chr6:73,638,450, G deleted on the plus strand (C on the coding strand, the reverse complement: SLC17A5 is on the minus strand); the first of 5 consecutive G bases (chr6:73,638,450-73,638,454); deleting any one gives the same sequence. VCF-style (leftmost placement, unchanged base first): chr6-73638449-AG-A. GRCh37 (hg19) VCF-style: chr6-74348172-AG-A.
Other names: c.344del, p.Pro115fs (NM_001382629.1, NM_001382636.1); c.575del, p.Pro192fs (NM_001382630.1, NM_001382632.1, NM_001382633.1 and 2 more transcripts); c.596del, p.Pro199fs (NM_001382631.1); short protein forms P199fs, P192fs, P115fs.
Identifiers: ClinVar variation 2102539 (VCV002102539.4), dbSNP rs1321115911, ClinGen allele CA2580075779.